The following is an entry in ClinVar:

NM_001165963.4(SCN1A):c.5506G>T (p.Glu1836Ter)

Genes: SCN1A (sodium voltage-gated channel alpha subunit 1; minus strand), LOC102724058 (uncharacterized LOC102724058; plus strand). Cytogenetic location: 2q24.3.
Variant type: single nucleotide variant.
Coding change: c.5506G>T on transcript NM_001165963.4 (MANE Select); coding-DNA position 5506, G replaced by T.
Protein change: p.Glu1836Ter; replaces glutamic acid 1836 with a stop codon.
Molecular consequence: nonsense. On other transcripts: non-coding transcript variant (1).
Genome position (GRCh38, 1-based): chr2:165,991,769, C>A on the plus strand (G>T on the coding strand, the complement: SCN1A is on the minus strand). VCF-style: chr2-165991769-C-A. GRCh37 (hg19) VCF-style: chr2-166848279-C-A.
Other names: c.5470G>T, p.Glu1824Ter (NM_001353954.2, NM_001353955.2); c.5422G>T, p.Glu1808Ter (NM_001353957.2, NM_001353958.2, NM_001165964.3); c.5419G>T, p.Glu1807Ter (NM_001353960.2); c.3064G>T, p.Glu1022Ter (NM_001353961.2); c.5473G>T, p.Glu1825Ter (NM_006920.6, NM_001353949.2, NM_001353950.2 and 2 more transcripts); c.5506G>T, p.Glu1836Ter (NM_001202435.3, NM_001353948.2); short protein forms E1825*, E1836*, E1807*, E1824*, E1022*, E1808*.
Identifiers: ClinVar variation 422136 (VCV000422136.12), dbSNP rs1064795579, ClinGen allele CA16617278.

ClinVar aggregate classification (germline): Pathogenic/Likely pathogenic. Review status: criteria provided, multiple submitters, no conflicts (2 of 4 stars). 2 submissions from 2 submitters: Pathogenic (1); Likely pathogenic (1). Last evaluated 2023-10-03.

Conditions:
Early-infantile DEE. Also called: Early infantile epileptic encephalopathy; Ohtahara syndrome; Early infantile epileptic encephalopathy with suppression bursts. Identifiers: Orphanet 1934, MedGen C0393706, MONDO:0800491.

Submissions (2):

Labcorp Genetics (formerly Invitae), Labcorp
Classification: Pathogenic for Early-infantile DEE. Last evaluated: 2023-10-03. Review status: criteria provided, single submitter. Criteria: Invitae Variant Classification Sherloc (09022015). Collection method: clinical testing. Allele origin: germline.
Comment: This sequence change creates a premature translational stop signal (p.Glu1836*) in the SCN1A gene. While this is not anticipated to result in nonsense mediated decay, it is expected to disrupt the last 174 amino acid(s) of the SCN1A protein. This variant is not present in population databases (gnomAD no frequency). This variant has not been reported in the literature in individuals affected with SCN1A-related conditions. ClinVar contains an entry for this variant (Variation ID: 422136). This variant disrupts a region of the SCN1A protein in which other variant(s) (p.Arg1912*) have been determined to be pathogenic (PMID: 14738421, 23195492; Invitae). This suggests that this is a clinically significant region of the protein, and that variants that disrupt it are likely to be disease-causing. For these reasons, this variant has been classified as Pathogenic.

GeneDx
Classification: Likely pathogenic. Last evaluated: 2016-08-30. Review status: criteria provided, single submitter. Criteria: GeneDx Variant Classification (06012015). Collection method: clinical testing. Allele origin: germline. Affected: yes.
Comment: The E1836X variant has not been published as a pathogenic variant, nor has it been reported as a benign variant to our knowledge. It was not observed in approximately 6,500 individuals of European and African American ancestry in the NHLBI Exome Sequencing Project, indicating it is not a common benign variant in these populations. The E1836X likely pathogenic variant is predicted to cause loss of normal protein function through protein truncation, as the last 174 amino acids of the SCN1A protein are lost. Therefore, this variant is likely pathogenic; however, the possibility that it is benign cannot be excluded.

Literature cited by the submitters: PubMed 14738421 (cited by Labcorp Genetics (formerly Invitae), Labcorp); PubMed 23195492 (cited by Labcorp Genetics (formerly Invitae), Labcorp).